The following is an entry in ClinVar:

ClinVar aggregate classification (germline): Uncertain significance (1 of 4 stars; one submission).

Conditions:
Hereditary sensory and autonomic neuropathy type 6. Also called: HSAN VI; Neuropathy, hereditary sensory and autonomic, type VI. Identifiers: Orphanet 314381, MedGen C3539003, MONDO:0013839, OMIM 614653.
Epidermolysis bullosa simplex 3, localized or generalized intermediate, with BP230 deficiency (EBS3). Also called: Epidermolysis bullosa simplex due to BP230 deficiency; Epidermolysis bullosa simplex, autosomal recessive 2. Identifiers: Orphanet 412181, MedGen C3809470, MONDO:0014180, OMIM 615425.

Allele frequency attached by ClinVar (database versions not stated): gnomAD exomes below 0.00001.

Submission:

Labcorp Genetics (formerly Invitae), Labcorp
Classification: Uncertain significance for Epidermolysis bullosa simplex 3, localized or generalized intermediate, with BP230 deficiency; Hereditary sensory and autonomic neuropathy type 6. Last evaluated: 2020-09-15. Review status: criteria provided, single submitter. Criteria: Invitae Variant Classification Sherloc (09022015). Collection method: clinical testing. Allele origin: germline.
Comment: This variant has not been reported in the literature in individuals with DST-related conditions. This variant is not present in population databases (ExAC no frequency). This sequence change replaces histidine with arginine at codon 774 of the DST protein (p.His774Arg). The histidine residue is highly conserved and there is a small physicochemical difference between histidine and arginine. In summary, the available evidence is currently insufficient to determine the role of this variant in disease. Therefore, it has been classified as a Variant of Uncertain Significance. Algorithms developed to predict the effect of missense changes on protein structure and function are either unavailable or do not agree on the potential impact of this missense change (SIFT: "Deleterious"; PolyPhen-2: "Benign"; Align-GVGD: "Class C25").

NM_001374736.1(DST):c.3932A>G (p.His1311Arg)

Gene: DST (dystonin; minus strand). Cytogenetic location: 6p12.1.
Variant type: single nucleotide variant.
Coding change: c.3932A>G on transcript NM_001374736.1 (MANE Select); coding-DNA position 3932, A replaced by G.
Protein change: p.His1311Arg; replaces histidine 1311 with arginine.
Molecular consequence: missense variant.
Genome position (GRCh38, 1-based): chr6:56,631,914, T>C on the plus strand (A>G on the coding strand, the complement: DST is on the minus strand). VCF-style: chr6-56631914-T-C. GRCh37 (hg19) VCF-style: chr6-56496712-T-C.
Other names: c.3833A>G, p.His1278Arg (NM_001144769.5); c.3419A>G, p.His1140Arg (NM_001144770.2); c.3932A>G, p.His1311Arg (NM_001374722.1); c.3299A>G, p.His1100Arg (NM_001374729.1, NM_001374730.1, NM_001386100.1 and 1 more transcripts); c.3959A>G, p.His1320Arg (NM_001374734.1); c.2321A>G, p.His774Arg (NM_001723.7, NM_015548.5); short protein forms H1100R, H1140R, H1278R, H1311R, H1320R, H774R.
Identifiers: ClinVar variation 1018436 (VCV001018436.9), dbSNP rs2098784468, ClinGen allele CA364574812.
Genomic context (GRCh38, chr6:56,631,914, plus strand): 5'-TTTTTTCCCAACATATTTATAGCTCTCACCTCCTGTTCTGTGATTCTGAACACACTTTCA[T>C]GCAAATCATCTCTTTCCAGGGGAGTTCGAATCTGTCTAATCAGCCGATCTTCACAGTTCT-3'
Protein context (NP_001361665.1, residues 1301-1321): IRTPLERDDL[His1311Arg]ESVFRITEQE